The following is an entry in ClinVar:

ClinVar aggregate classification (germline): Uncertain significance (1 of 4 stars; one submission).

Conditions:
FGD1-related disorder. Also called: FGD1-related condition; FGD1-related disorders.

Submission:

PreventionGenetics, part of Exact Sciences
Classification: Uncertain significance for FGD1-related condition. Last evaluated: 2026-09-17. Review status: criteria provided, single submitter. Criteria: ACMG Guidelines, 2015. Collection method: clinical testing. Allele origin: germline.
Comment: The FGD1 c.136A>G variant is predicted to result in the amino acid substitution p.Arg46Gly. To our knowledge, this variant has not been reported in the literature or in a large population database (gnomAD), indicating this variant is rare. At this time, the clinical significance of this variant is uncertain due to the absence of conclusive functional and genetic evidence.

NM_004463.3(FGD1):c.136A>G (p.Arg46Gly)

Gene: FGD1 (FYVE, RhoGEF and PH domain containing 1; minus strand). Cytogenetic location: Xp11.22.
Variant type: single nucleotide variant.
Coding change: c.136A>G on transcript NM_004463.3 (MANE Select); coding-DNA position 136, A replaced by G.
Protein change: p.Arg46Gly; replaces arginine 46 with glycine.
Molecular consequence: missense variant.
Genome position (GRCh38, 1-based): chrX:54,495,297, T>C on the plus strand (A>G on the coding strand, the complement: FGD1 is on the minus strand). VCF-style: chrX-54495297-T-C. GRCh37 (hg19) VCF-style: chrX-54521730-T-C.
Other names: short protein forms R46G.
Identifiers: ClinVar variation 4996594 (VCV004996594.1).